The following is an entry in ClinVar:

ClinVar aggregate classification (germline): Uncertain significance (1 of 4 stars; one submission).

Conditions:
Congenital disorder of glycosylation type Ir (CDG1R). Also called: DDOST-congenital disorder of glycosylation. Identifiers: Orphanet 300536, MedGen C3281084, MONDO:0013789, OMIM 614507.

Allele frequency attached by ClinVar (database versions not stated): gnomAD exomes below 0.00001; gnomAD 0.00001; TOPMed 0.00001.
gnomAD v4.1: 4 of 1,614,066 alleles (0.00025%); highest among the groups gnomAD compares: African/African-American, 0.0013%; no homozygotes.

Submission:

Labcorp Genetics (formerly Invitae), Labcorp
Classification: Uncertain significance for Congenital disorder of glycosylation type Ir. Last evaluated: 2023-08-04. Review status: criteria provided, single submitter. Criteria: Invitae Variant Classification Sherloc (09022015). Collection method: clinical testing. Allele origin: germline.
Comment: This sequence change replaces aspartic acid, which is acidic and polar, with asparagine, which is neutral and polar, at codon 383 of the DDOST protein (p.Asp383Asn). This variant is not present in population databases (gnomAD no frequency). In summary, the available evidence is currently insufficient to determine the role of this variant in disease. Therefore, it has been classified as a Variant of Uncertain Significance. An algorithm developed to predict the effect of missense changes on protein structure and function (PolyPhen-2) suggests that this variant is likely to be disruptive. ClinVar contains an entry for this variant (Variation ID: 1398039). This variant has not been reported in the literature in individuals affected with DDOST-related conditions.

NM_005216.5(DDOST):c.1096G>A (p.Asp366Asn)

Gene: DDOST (dolichyl-diphosphooligosaccharide--protein glycosyltransferase non-catalytic subunit; minus strand). Cytogenetic location: 1p36.12.
Variant type: single nucleotide variant.
Coding change: c.1096G>A on transcript NM_005216.5 (MANE Select); coding-DNA position 1096, G replaced by A.
Protein change: p.Asp366Asn; replaces aspartic acid 366 with asparagine.
Molecular consequence: missense variant.
Genome position (GRCh38, 1-based): chr1:20,652,695, C>T on the plus strand (G>A on the coding strand, the complement: DDOST is on the minus strand). VCF-style: chr1-20652695-C-T. GRCh37 (hg19) VCF-style: chr1-20979188-C-T.
Other names: short protein forms D366N.
Identifiers: ClinVar variation 1398039 (VCV001398039.6), dbSNP rs886045864, ClinGen allele CA10609571.